The following is an entry in ClinVar:

ClinVar aggregate classification (germline): Likely pathogenic (1 of 4 stars; one submission).

Conditions:
Interstitial lung disease due to ABCA3 deficiency. Also called: PULMONARY ALVEOLAR PROTEINOSIS, CONGENITAL, 3. Identifiers: Orphanet 440402, MedGen C1970456, MONDO:0012582, OMIM 610921.

gnomAD v4.1: 1 of 1,613,960 alleles (0.000062%); highest among the groups gnomAD compares: Non-Finnish European, 0.000085%; no homozygotes.

Submission:

Women's Health and Genetics/Laboratory Corporation of America, LabCorp
Classification: Likely pathogenic for Interstitial lung disease due to ABCA3 deficiency. Last evaluated: 2025-07-14. Review status: criteria provided, single submitter. Criteria: LabCorp Variant Classification Summary - May 2015. Collection method: clinical testing. Allele origin: germline.
Comment: Variant summary: ABCA3 c.757G>C (p.Asp253His) results in a non-conservative amino acid change in the encoded protein sequence. Algorithms developed to predict the effect of missense changes on protein structure and function all suggest that this variant is likely to be disruptive. The variant was absent in 251248 control chromosomes (gnomAD). c.757G>C has been observed in individuals affected with Neonatal respiratory distress / interstitial lung disease (e.g., Flamein_2012). These data indicate that the variant is likely to be associated with disease. Publications report experimental evidence evaluating an impact on protein function, finding that the variant results in abnormal lamellar bodies and partially reduced lipid transport function (Flaimein_2012, Yang_2023). No submitters have cited clinical-significance assessments for this variant to ClinVar. Based on the evidence outlined above, the variant was classified as likely pathogenic.

Literature cited by the submitters: PubMed 24871971; PubMed 37108718; PubMed 22068586.

NM_001089.3(ABCA3):c.757G>C (p.Asp253His)

Gene: ABCA3 (ATP binding cassette subfamily A member 3; minus strand). Cytogenetic location: 16p13.3.
Variant type: single nucleotide variant.
Coding change: c.757G>C on transcript NM_001089.3 (MANE Select); coding-DNA position 757, G replaced by C.
Protein change: p.Asp253His; replaces aspartic acid 253 with histidine.
Molecular consequence: missense variant.
Genome position (GRCh38, 1-based): chr16:2,319,697, C>G on the plus strand (G>C on the coding strand, the complement: ABCA3 is on the minus strand). VCF-style: chr16-2319697-C-G. GRCh37 (hg19) VCF-style: chr16-2369698-C-G.
Other names: short protein forms D253H.
Identifiers: ClinVar variation 4525925 (VCV004525925.1).